The following is an entry in ClinVar:

NM_005476.7(GNE):c.1633+125G>C

Gene: GNE (glucosamine (UDP-N-acetyl)-2-epimerase/N-acetylmannosamine kinase; minus strand). Cytogenetic location: 9p13.3.
Variant type: single nucleotide variant.
Coding change: c.1633+125G>C on transcript NM_005476.7 (MANE Select); 125 bases into the intron after coding-DNA position 1633, G replaced by C.
Molecular consequence: intron variant.
Genome position (GRCh38, 1-based): chr9:36,222,652, C>G on the plus strand (G>C on the coding strand, the complement: GNE is on the minus strand). VCF-style: chr9-36222652-C-G. GRCh37 (hg19) VCF-style: chr9-36222649-C-G.
Other names: c.1456+125G>C (NM_001190388.2, NM_001374798.1); c.1726+125G>C (NM_001128227.3); c.1303+125G>C (NM_001190384.3); c.1480+125G>C (NM_001374797.1); c.1411+721G>C (NM_001190383.3).
Identifiers: ClinVar variation 681838 (VCV000681838.2), dbSNP rs10972795, ClinGen allele CA192843325.

ClinVar aggregate classification (germline): Benign. Review status: criteria provided, multiple submitters, no conflicts (2 of 4 stars). 2 submissions from 2 submitters: Benign (2). Last evaluated 2018-06-19.

Allele frequency attached by ClinVar (database versions not stated): gnomAD 0.09219; TOPMed 0.10771; 1000 Genomes Project 0.14397; 1000 Genomes Project 30x 0.14647.
gnomAD v4.1: 70,872 of 798,674 alleles (8.9%); highest among the groups gnomAD compares: South Asian, 19%; 4,597 homozygotes.

Submissions (2):

GeneDx
Classification: Benign. Last evaluated: 2018-06-19. Review status: criteria provided, single submitter. Criteria: GeneDx Variant Classification (06012015). Collection method: clinical testing. Allele origin: germline. Affected: yes.
Comment: This variant is considered likely benign or benign based on one or more of the following criteria: it is a conservative change, it occurs at a poorly conserved position in the protein, it is predicted to be benign by multiple in silico algorithms, and/or has population frequency not consistent with disease.

Breakthrough Genomics
Classification: Benign. Review status: criteria provided, single submitter. Criteria: ACMG Guidelines, 2015. Collection method: not provided. Allele origin: germline. Inheritance: Autosomal recessive inheritance. Affected: yes.